The following is an entry in ClinVar:

NM_021620.4(PRDM13):c.502G>C (p.Gly168Arg)

Gene: PRDM13 (PR/SET domain 13; plus strand). Cytogenetic location: 6q16.2.
Variant type: single nucleotide variant.
Coding change: c.502G>C on transcript NM_021620.4 (MANE Select); coding-DNA position 502, G replaced by C.
Protein change: p.Gly168Arg; replaces glycine 168 with arginine.
Molecular consequence: missense variant.
Genome position (GRCh38, 1-based): chr6:99,613,137, G>C. VCF-style: chr6-99613137-G-C. GRCh37 (hg19) VCF-style: chr6-100061013-G-C.
Other names: short protein forms G168R.
Identifiers: ClinVar variation 3691965 (VCV003691965.2).

ClinVar aggregate classification (germline): Uncertain significance (1 of 4 stars; one submission).

Submission:

Labcorp Genetics (formerly Invitae), Labcorp
Classification: Uncertain significance. Last evaluated: 2024-12-09. Review status: criteria provided, single submitter. Criteria: Invitae Variant Classification Sherloc (09022015). Collection method: clinical testing. Allele origin: germline.
Comment: This sequence change replaces glycine, which is neutral and non-polar, with arginine, which is basic and polar, at codon 168 of the PRDM13 protein (p.Gly168Arg). This variant is present in population databases (rs769194772, gnomAD 0.006%). This variant has not been reported in the literature in individuals affected with PRDM13-related conditions. An algorithm developed to predict the effect of missense changes on protein structure and function outputs the following: PolyPhen-2: "Benign". The arginine amino acid residue is found in multiple mammalian species, which suggests that this missense change does not adversely affect protein function. In summary, the available evidence is currently insufficient to determine the role of this variant in disease. Therefore, it has been classified as a Variant of Uncertain Significance.